The following is an entry in ClinVar:

NM_198525.3(KIF7):c.2051G>A (p.Ser684Asn)

Gene: KIF7 (kinesin family member 7; minus strand). Cytogenetic location: 15q26.1.
Variant type: single nucleotide variant.
Coding change: c.2051G>A on transcript NM_198525.3 (MANE Select); coding-DNA position 2051, G replaced by A.
Protein change: p.Ser684Asn; replaces serine 684 with asparagine.
Molecular consequence: missense variant.
Genome position (GRCh38, 1-based): chr15:89,645,153, C>T on the plus strand (G>A on the coding strand, the complement: KIF7 is on the minus strand). VCF-style: chr15-89645153-C-T. GRCh37 (hg19) VCF-style: chr15-90188384-C-T.
Other names: short protein forms S684N.
Identifiers: ClinVar variation 2808976 (VCV002808976.3), dbSNP rs2505479210, ClinGen allele CA393763870.

ClinVar aggregate classification (germline): Uncertain significance (1 of 4 stars; one submission).

Conditions:
Acrocallosal syndrome (ACLS). Also called: HALLUX DUPLICATION, POSTAXIAL POLYDACTYLY, AND ABSENCE OF CORPUS CALLOSUM; Schinzel syndrome 1; Absence of corpus callosum with unusual facial appearance, mental deficiency, duplication of the halluces and polydactyly. Identifiers: Orphanet 36, MedGen C0796147, MONDO:0008708, OMIM 200990.

Allele frequency attached by ClinVar (database versions not stated): gnomAD exomes below 0.00001.
gnomAD v4.1: 1 of 1,604,408 alleles (0.000062%); highest among the groups gnomAD compares: South Asian, 0.0011%; no homozygotes.

Submission:

Labcorp Genetics (formerly Invitae), Labcorp
Classification: Uncertain significance for Acrocallosal syndrome. Last evaluated: 2023-07-28. Review status: criteria provided, single submitter. Criteria: Invitae Variant Classification Sherloc (09022015). Collection method: clinical testing. Allele origin: germline.
Comment: This variant has not been reported in the literature in individuals affected with KIF7-related conditions. In summary, the available evidence is currently insufficient to determine the role of this variant in disease. Therefore, it has been classified as a Variant of Uncertain Significance. Advanced modeling of protein sequence and biophysical properties (such as structural, functional, and spatial information, amino acid conservation, physicochemical variation, residue mobility, and thermodynamic stability) performed at Invitae indicates that this missense variant is not expected to disrupt KIF7 protein function. This variant is not present in population databases (gnomAD no frequency). This sequence change replaces serine, which is neutral and polar, with asparagine, which is neutral and polar, at codon 684 of the KIF7 protein (p.Ser684Asn).